The following is an entry in ClinVar:

ClinVar aggregate classification (germline): Benign/Likely benign. Review status: criteria provided, multiple submitters, no conflicts (2 of 4 stars). 6 submissions from 6 submitters: Benign (1); Likely benign (4). 1 of the submissions does not count toward it. Last evaluated 2026-01-27.

Conditions:
Isovaleryl-CoA dehydrogenase deficiency (IVA). Also called: Classic Isovaleric Acidemia; IVD DEFICIENCY; ISOVALERIC ACID CoA DEHYDROGENASE DEFICIENCY; Isovaleric acidemia. Identifiers: Orphanet 33, MedGen C0268575, MONDO:0009475, OMIM 243500.

Allele frequency attached by ClinVar (database versions not stated): gnomAD 0.00032; TOPMed 0.00033; ESP Exome Variant Server 0.00046; ExAC 0.00093; gnomAD exomes 0.00093; 1000 Genomes Project 0.00100; 1000 Genomes Project 30x 0.00109.
gnomAD v4.1: 978 of 1,614,030 alleles (0.061%); highest among the groups gnomAD compares: Middle Eastern, 1%; 9 homozygotes.

Submissions (6):

Labcorp Genetics (formerly Invitae), Labcorp
Classification: Benign for Isovaleryl-CoA dehydrogenase deficiency. Last evaluated: 2026-01-27. Review status: criteria provided, single submitter. Criteria: Invitae Variant Classification Sherloc (09022015). Collection method: clinical testing. Allele origin: germline.

Blueprint Genetics
Classification: Likely benign. Last evaluated: 2024-09-19. Review status: criteria provided, single submitter. Criteria: ACMG Guidelines, 2015. Collection method: clinical testing. Allele origin: germline.

CeGaT Center for Human Genetics Tuebingen
Classification: Likely benign. Last evaluated: 2024-09-01. Review status: criteria provided, single submitter. Criteria: CeGaT Center For Human Genetics Tuebingen Variant Classification Criteria Version 2. Collection method: clinical testing. Allele origin: germline. Affected: yes. Observed: 3 variant alleles.
Comment: IVD: BP4, BP7

GeneDx
Classification: Likely benign. Last evaluated: 2017-10-13. Review status: criteria provided, single submitter. Criteria: GeneDx Variant Classification (06012015). Collection method: clinical testing. Allele origin: germline. Affected: yes.
Comment: This variant is considered likely benign or benign based on one or more of the following criteria: it is a conservative change, it occurs at a poorly conserved position in the protein, it is predicted to be benign by multiple in silico algorithms, and/or has population frequency not consistent with disease.

Breakthrough Genomics
Classification: Likely benign. Review status: criteria provided, single submitter. Criteria: ACMG Guidelines, 2015. Collection method: not provided. Allele origin: germline. Inheritance: Autosomal recessive inheritance. Affected: yes.

Natera, Inc.
Classification: Benign for Isovaleryl-coa dehydrogenase deficiency. Last evaluated: 2017-11-14. Review status: no assertion criteria provided. Collection method: clinical testing. Allele origin: germline. Not counted in ClinVar's aggregate classification.

NM_002225.5(IVD):c.229C>T (p.Leu77=)

Gene: IVD (isovaleryl-CoA dehydrogenase; plus strand). Cytogenetic location: 15q15.1.
Variant type: single nucleotide variant.
Coding change: c.229C>T on transcript NM_002225.5 (MANE Select); coding-DNA position 229, C replaced by T.
Protein change: p.Leu77=; no amino-acid change (leucine 77 retained).
Molecular consequence: synonymous variant. On other transcripts: non-coding transcript variant (1), intron variant (1).
Genome position (GRCh38, 1-based): chr15:40,407,720, C>T. VCF-style: chr15-40407720-C-T. GRCh37 (hg19) VCF-style: chr15-40699921-C-T.
Other names: c.181C>T, p.Leu61= (NM_001354597.3); c.229C>T, p.Leu77= (NM_001354598.3, NM_001354599.3, NM_001354600.3 and 1 more transcripts); c.145-219C>T (NM_001159508.3).
Identifiers: ClinVar variation 382411 (VCV000382411.49), dbSNP rs143807229, ClinGen allele CA7480533.